The following is an entry in ClinVar:

ClinVar aggregate classification (germline): Uncertain significance (1 of 4 stars; one submission).

Conditions:
Marden-Walker syndrome (MWKS). Also called: Connective tissue disorder Marden Walker type. Identifiers: Orphanet 2461, MedGen C0796033, MONDO:0009564, OMIM 248700.

Allele frequency attached by ClinVar (database versions not stated): gnomAD exomes below 0.00001.
gnomAD v4.1: 2 of 1,598,548 alleles (0.00013%); highest among the groups gnomAD compares: Non-Finnish European, 0.00017%; no homozygotes.

Submission:

MGZ Medical Genetics Center
Classification: Uncertain significance for Marden-Walker syndrome. Last evaluated: 2022-04-28. Review status: criteria provided, single submitter. Criteria: ACMG Guidelines, 2015. Collection method: clinical testing. Allele origin: germline. Affected: yes. Observed: 1 variant allele.
Comment: ACMG criteria applied: PM2_SUP, PP2, BP4

NM_001378183.1(PIEZO2):c.8173A>G (p.Met2725Val)

Gene: PIEZO2 (piezo type mechanosensitive ion channel component 2; minus strand). Cytogenetic location: 18p11.22.
Variant type: single nucleotide variant.
Coding change: c.8173A>G on transcript NM_001378183.1 (MANE Select); coding-DNA position 8173, A replaced by G.
Protein change: p.Met2725Val; replaces methionine 2725 with valine.
Molecular consequence: missense variant.
Genome position (GRCh38, 1-based): chr18:10,672,862, T>C on the plus strand (A>G on the coding strand, the complement: PIEZO2 is on the minus strand). VCF-style: chr18-10672862-T-C. GRCh37 (hg19) VCF-style: chr18-10672859-T-C.
Other names: c.7909A>G, p.Met2637Val (NM_001410871.1); c.7834A>G, p.Met2612Val (NM_022068.4); short protein forms M2612V, M2637V, M2725V.
Identifiers: ClinVar variation 1709333 (VCV001709333.2), dbSNP rs1437921891, ClinGen allele CA401913247.